The following is an entry in ClinVar:

NM_001370259.2(MEN1):c.788T>C (p.Leu263Pro)

Gene: MEN1 (menin 1; minus strand). Cytogenetic location: 11q13.1.
Variant type: single nucleotide variant.
Coding change: c.788T>C on transcript NM_001370259.2 (MANE Select); coding-DNA position 788, T replaced by C.
Protein change: p.Leu263Pro; replaces leucine 263 with proline.
Molecular consequence: missense variant.
Genome position (GRCh38, 1-based): chr11:64,807,215, A>G on the plus strand (T>C on the coding strand, the complement: MEN1 is on the minus strand). VCF-style: chr11-64807215-A-G. GRCh37 (hg19) VCF-style: chr11-64574687-A-G.
Other names: c.803T>C, p.Leu268Pro (NM_130801.3, NM_130802.3, NM_130803.3 and 3 more transcripts); c.788T>C, p.Leu263Pro (NM_001370251.2, NM_001370260.2, NM_001370261.2 and 1 more transcripts); c.683T>C, p.Leu228Pro (NM_001370262.2, NM_001370263.2); short protein forms L263P, L268P, L228P.
Identifiers: ClinVar variation 428042 (VCV000428042.17), dbSNP rs1114167502, ClinGen allele CA381183996.

ClinVar aggregate classification (germline): Conflicting classifications of pathogenicity. Review status: criteria provided, conflicting classifications (1 of 4 stars). 2 submissions from 2 submitters: Likely pathogenic (1); Uncertain significance (1). Last evaluated 2025-06-24.

Conditions:
Hereditary cancer-predisposing syndrome. Also called: Hereditary neoplastic syndrome; Tumor predisposition; Neoplastic Syndromes, Hereditary; Hereditary Cancer Syndrome. Identifiers: Orphanet 140162, MedGen C0027672, MeSH D009386, MONDO:0015356.
Multiple endocrine neoplasia, type 1 (MEN1). Also called: MEN I; Endocrine adenomatosis multiple; MEN 1; WERMER SYNDROME; MEA I. Identifiers: Orphanet 652, MedGen C0025267, MeSH D018761, MONDO:0007540, OMIM 131100.

Submissions (2):

Ambry Genetics
Classification: Likely pathogenic for Hereditary cancer-predisposing syndrome. Last evaluated: 2025-06-24. Review status: criteria provided, single submitter. Criteria: Ambry Variant Classification Scheme 2023. Collection method: clinical testing. Allele origin: germline.
Comment: The p.L263P variant (also known as c.788T>C), located in coding exon 4 of the MEN1 gene, results from a T to C substitution at nucleotide position 788. The leucine at codon 263 is replaced by proline, an amino acid with similar properties. This alteration has been detected in at least one individual with a clinical diagnosis of multiple endocrine neoplasia type 1 (Ambry internal data). Based on internal structural analysis, this variant is predicted to result in a significant decrease in structural stability (Huang J et al. Nature. 2012 Feb;482:542-6; Xu S et al. Angew Chem Int Ed Engl. 2018 02;57:1601-1605). This variant is considered to be rare based on population cohorts in the Genome Aggregation Database (gnomAD). This amino acid position is highly conserved in available vertebrate species. In addition, this alteration is predicted to be deleterious by in silico analysis. Based on the majority of available evidence to date, this variant is likely to be pathogenic.

Labcorp Genetics (formerly Invitae), Labcorp
Classification: Uncertain significance for Multiple endocrine neoplasia, type 1. Last evaluated: 2019-05-31. Review status: criteria provided, single submitter. Criteria: Invitae Variant Classification Sherloc (09022015). Collection method: clinical testing. Allele origin: germline.
Comment: This variant has not been reported in the literature in individuals with MEN1-related disease. ClinVar contains an entry for this variant (Variation ID: 428042). In summary, the available evidence is currently insufficient to determine the role of this variant in disease. Therefore, it has been classified as a Variant of Uncertain Significance. Algorithms developed to predict the effect of missense changes on protein structure and function (SIFT, PolyPhen-2, Align-GVGD) all suggest that this variant is likely to be disruptive, but these predictions have not been confirmed by published functional studies and their clinical significance is uncertain. This variant is not present in population databases (ExAC no frequency). This sequence change replaces leucine with proline at codon 263 of the MEN1 protein (p.Leu263Pro). The leucine residue is highly conserved and there is a moderate physicochemical difference between leucine and proline.

Literature cited by the submitters: PubMed 22327296 (cited by Ambry Genetics); PubMed 29284071 (cited by Ambry Genetics).